The following is an entry in ClinVar:

NM_016004.5(IFT52):c.1051C>A (p.Leu351Met)

Gene: IFT52 (intraflagellar transport 52; plus strand). Cytogenetic location: 20q13.12.
Variant type: single nucleotide variant.
Coding change: c.1051C>A on transcript NM_016004.5 (MANE Select); coding-DNA position 1051, C replaced by A.
Protein change: p.Leu351Met; replaces leucine 351 with methionine.
Molecular consequence: missense variant.
Genome position (GRCh38, 1-based): chr20:43,637,184, C>A. VCF-style: chr20-43637184-C-A. GRCh37 (hg19) VCF-style: chr20-42265824-C-A.
Other names: c.1051C>A, p.Leu351Met (NM_001303458.3, NM_001303459.3); c.523C>A, p.Leu175Met (NM_001323578.2, NM_001323580.2); c.400C>A, p.Leu134Met (NM_001323579.2, NM_001323581.2); short protein forms L134M, L175M, L351M.
Identifiers: ClinVar variation 1512983 (VCV001512983.6), dbSNP rs755191500, ClinGen allele CA409086480.
Genomic context (GRCh38, chr20:43,637,184, plus strand): 5'-AATGACTTTATTTCCTTTTAGGTTTTTCCTCCCAGTTTCCGGGAGTTACCACCTCCTCCT[C>A]TGGAGCTATTTGATTTAGATGAAACGTTCTCCTCTGAGAAGGCACGGCTGGCTCAGATTA-3'
Protein context (NP_057088.2, residues 341-361): PSFRELPPPP[Leu351Met]ELFDLDETFS

ClinVar aggregate classification (germline): Uncertain significance (1 of 4 stars; one submission).

gnomAD v4.1: 1 of 1,611,432 alleles (0.000062%); highest among the groups gnomAD compares: Non-Finnish European, 0.000085%; no homozygotes.

Submission:

Labcorp Genetics (formerly Invitae), Labcorp
Classification: Uncertain significance. Last evaluated: 2021-10-22. Review status: criteria provided, single submitter. Criteria: Invitae Variant Classification Sherloc (09022015). Collection method: clinical testing. Allele origin: germline.
Comment: This sequence change replaces leucine, which is neutral and non-polar, with methionine, which is neutral and non-polar, at codon 351 of the IFT52 protein (p.Leu351Met). This variant is not present in population databases (gnomAD no frequency). In summary, the available evidence is currently insufficient to determine the role of this variant in disease. Therefore, it has been classified as a Variant of Uncertain Significance. Algorithms developed to predict the effect of missense changes on protein structure and function are either unavailable or do not agree on the potential impact of this missense change (SIFT: "Not Available"; PolyPhen-2: "Probably Damaging"; Align-GVGD: "Not Available"). This variant has not been reported in the literature in individuals affected with IFT52-related conditions.